The following is an entry in ClinVar:

NM_006206.6(PDGFRA):c.967C>G (p.Gln323Glu)

Gene: PDGFRA (platelet derived growth factor receptor alpha; plus strand). Cytogenetic location: 4q12.
Variant type: single nucleotide variant.
Coding change: c.967C>G on transcript NM_006206.6 (MANE Select); coding-DNA position 967, C replaced by G.
Protein change: p.Gln323Glu; replaces glutamine 323 with glutamic acid.
Molecular consequence: missense variant.
Genome position (GRCh38, 1-based): chr4:54,267,587, C>G. VCF-style: chr4-54267587-C-G. GRCh37 (hg19) VCF-style: chr4-55133754-C-G.
Other names: c.967C>G (NM_006206.5); c.967C>G, p.Gln323Glu (NM_001347827.2, NM_001347829.2); c.1042C>G, p.Gln348Glu (NM_001347828.2); c.1006C>G, p.Gln336Glu (NM_001347830.2); short protein forms Q323E, Q348E, Q336E.
Identifiers: ClinVar variation 407405 (VCV000407405.18), dbSNP rs138296072, ClinGen allele CA2922441.

ClinVar aggregate classification (germline): Conflicting classifications of pathogenicity. Review status: criteria provided, conflicting classifications (1 of 4 stars). 5 submissions from 5 submitters: Uncertain significance (3); Benign (1); Likely benign (1). Last evaluated 2026-06-26.

Conditions:
PDGFRA-related disorder. Also called: PDGFRA-related condition.
Polyps, multiple and recurrent inflammatory fibroid, gastrointestinal. Identifiers: MedGen C5193005, MONDO:0008285, OMIM 175510.
Hereditary cancer-predisposing syndrome. Also called: Neoplastic Syndromes, Hereditary; Tumor predisposition; Hereditary Cancer Syndrome; Hereditary neoplastic syndrome. Identifiers: Orphanet 140162, MedGen C0027672, MeSH D009386, MONDO:0015356.
Gastrointestinal stromal tumor. Also called: Gastrointestinal stroma tumor; Gastrointestinal stromal tumor, somatic. Identifiers: Orphanet 44890, MedGen C0238198, MeSH D046152, MONDO:0011719, OMIM 606764, HP:0100723.

Allele frequency attached by ClinVar (database versions not stated): TOPMed 0.00002; gnomAD 0.00003; gnomAD exomes 0.00006 and 0.00007; ExAC 0.00007; ESP Exome Variant Server 0.00008.
gnomAD v4.1: 98 of 1,614,046 alleles (0.0061%); highest among the groups gnomAD compares: South Asian, 0.03%; no homozygotes.

Submissions (5):

PreventionGenetics, part of Exact Sciences
Classification: Uncertain significance for PDGFRA-related condition. Last evaluated: 2026-06-26. Review status: criteria provided, single submitter. Criteria: ACMG Guidelines, 2015. Collection method: clinical testing. Allele origin: germline.
Comment: The PDGFRA c.967C>G variant is predicted to result in the amino acid substitution p.Gln323Glu. To our knowledge, this variant has not been reported in the literature. This variant is reported in 0.020% of alleles in individuals of South Asian descent in gnomAD and has conflicting interpretations in ClinVar ranging from benign to uncertain (Variation ID: 407405). Although we suspect that this variant may be benign, at this time, the clinical significance of this variant is uncertain due to the absence of conclusive functional and genetic evidence.

Myriad Genetics, Inc.
Classification: Likely benign for Polyps, multiple and recurrent inflammatory fibroid, gastrointestinal. Last evaluated: 2026-06-12. Review status: criteria provided, single submitter. Criteria: Myriad Autosomal Dominant, Autosomal Recessive and X-Linked Classification Criteria (2023). Collection method: clinical testing. Allele origin: unknown.
Comment: This variant is considered likely benign. This variant has been observed at a population frequency that is significantly greater than expected given the associated disease prevalence and penetrance.

Labcorp Genetics (formerly Invitae), Labcorp
Classification: Uncertain significance for Gastrointestinal stromal tumor. Last evaluated: 2026-02-04. Review status: criteria provided, single submitter. Criteria: Invitae Variant Classification Sherloc (09022015). Collection method: clinical testing. Allele origin: germline.
Comment: This sequence change replaces glutamine, which is neutral and polar, with glutamic acid, which is acidic and polar, at codon 323 of the PDGFRA protein (p.Gln323Glu). This variant is present in population databases (rs138296072, gnomAD 0.02%). This variant has not been reported in the literature in individuals affected with PDGFRA-related conditions. ClinVar contains an entry for this variant (Variation ID: 407405). Invitae Evidence Modeling of protein sequence and biophysical properties (such as structural, functional, and spatial information, amino acid conservation, physicochemical variation, residue mobility, and thermodynamic stability) indicates that this missense variant is not expected to disrupt PDGFRA protein function with a negative predictive value of 80%. In summary, the available evidence is currently insufficient to determine the role of this variant in disease. Therefore, it has been classified as a Variant of Uncertain Significance.

Ambry Genetics
Classification: Benign for Hereditary cancer-predisposing syndrome. Last evaluated: 2024-10-28. Review status: criteria provided, single submitter. Criteria: Ambry Variant Classification Scheme 2023. Collection method: clinical testing. Allele origin: germline.

GeneDx
Classification: Uncertain significance. Last evaluated: 2024-07-12. Review status: criteria provided, single submitter. Criteria: GeneDx Variant Classification Process June 2021. Collection method: clinical testing. Allele origin: germline. Affected: yes.
Comment: In silico analysis indicates that this missense variant does not alter protein structure/function; Has not been previously published as pathogenic or benign to our knowledge